The following is an entry in ClinVar:

NM_004006.3(DMD):c.9922A>G (p.Lys3308Glu)

Gene: DMD (dystrophin; minus strand). Cytogenetic location: Xp21.2.
Variant type: single nucleotide variant.
Coding change: c.9922A>G on transcript NM_004006.3 (MANE Select); coding-DNA position 9922, A replaced by G.
Protein change: p.Lys3308Glu; replaces lysine 3308 with glutamic acid.
Molecular consequence: missense variant.
Genome position (GRCh38, 1-based): chrX:31,182,790, T>C on the plus strand (A>G on the coding strand, the complement: DMD is on the minus strand). VCF-style: chrX-31182790-T-C. GRCh37 (hg19) VCF-style: chrX-31200907-T-C.
Other names: c.9898A>G, p.Lys3300Glu (NM_000109.4); c.9910A>G, p.Lys3304Glu (NM_004009.3); c.9553A>G, p.Lys3185Glu (NM_004010.3); c.5899A>G, p.Lys1967Glu (NM_004011.4); c.5890A>G, p.Lys1964Glu (NM_004012.4); c.2542A>G, p.Lys848Glu (NM_004013.3, NM_004020.4, NM_004021.3 and 2 more transcripts); c.1735A>G, p.Lys579Glu (NM_004014.3); c.718A>G, p.Lys240Glu (NM_004015.3, NM_004016.3, NM_004017.3 and 2 more transcripts); short protein forms K1964E, K1967E, K240E, K3185E, K3300E, K3304E, K3308E, K579E.
Identifiers: ClinVar variation 3382589 (VCV003382589.4).

ClinVar aggregate classification (germline): Uncertain significance. Review status: criteria provided, multiple submitters, no conflicts (2 of 4 stars). 3 submissions from 3 submitters: Uncertain significance (3). Last evaluated 2026-08-29.

Conditions:
Duchenne muscular dystrophy (DMD). Also called: Duchenne Muscular Dystrophy (DMD); MUSCULAR DYSTROPHY, PSEUDOHYPERTROPHIC PROGRESSIVE, DUCHENNE TYPE. Identifiers: Orphanet 98896, MedGen C0013264, MONDO:0010679, OMIM 310200.
Becker muscular dystrophy (BMD). Also called: MUSCULAR DYSTROPHY, PSEUDOHYPERTROPHIC PROGRESSIVE, BECKER TYPE; Becker Muscular Dystrophy (BMD). Identifiers: Orphanet 98895, MedGen C0917713, MONDO:0010311, OMIM 300376.
Dilated cardiomyopathy 3B (CMD3B). Also called: CMD3B: DMD-Related Dilated Cardiomyopathy; CARDIOMYOPATHY, DILATED, X-LINKED; DMD-Associated Dilated Cardiomyopathy. Identifiers: Orphanet 154, MedGen C3668940, MONDO:0010542, OMIM 302045.
Cardiovascular phenotype. Identifiers: MedGen CN230736.

Submissions (3):

Ambry Genetics
Classification: Uncertain significance for Cardiovascular phenotype. Last evaluated: 2026-08-29. Review status: criteria provided, single submitter. Criteria: Ambry Variant Classification Scheme 2023. Collection method: clinical testing. Allele origin: germline.
Comment: The p.K3308E variant (also known as c.9922A>G), located in coding exon 68 of the DMD gene, results from an A to G substitution at nucleotide position 9922. The lysine at codon 3308 is replaced by glutamic acid, an amino acid with similar properties. This amino acid position is conserved. In addition, this alteration is predicted to be deleterious by in silico analysis. Based on the available evidence, the clinical significance of this variant remains unclear.

Blueprint Genetics
Classification: Uncertain significance. Last evaluated: 2024-04-02. Review status: criteria provided, single submitter. Criteria: ACMG Guidelines, 2015. Collection method: clinical testing. Allele origin: germline.

Juno Genomics, Hangzhou Juno Genomics, Inc
Classification: Uncertain significance for Becker muscular dystrophy; Dilated cardiomyopathy 3B; Duchenne muscular dystrophy. Review status: criteria provided, single submitter. Criteria: ACMG Guidelines, 2015. Collection method: clinical testing. Allele origin: germline. Affected: yes.
Comment: Absent from controls (or at extremely low frequency if recessive) in Genome Aggregation Database, Exome Sequencing Project, 1000 Genomes Project, or Exome Aggregation Consortium.;Multiple lines of computational evidence support a deleterious effect on the gene or gene product (conservation, evolutionary, splicing impact, etc).;Patient's phenotype or family history is highly specific for a disease with a single genetic etiology.